The following is an entry in ClinVar:

ClinVar aggregate classification (germline): Uncertain significance. Review status: criteria provided, multiple submitters, no conflicts (2 of 4 stars). 2 submissions from 2 submitters: Uncertain significance (2). Last evaluated 2021-09-08.

Conditions:
Autosomal dominant hypocalcemia 1 (HYPOC1). Also called: HYPOCALCEMIA, FAMILIAL. Identifiers: MedGen C3715128, MONDO:0011013, OMIM 601198.
Familial hypocalciuric hypercalcemia (FHH). Also called: Familial benign hypercalcemia. Identifiers: Orphanet 405, MedGen C1809471, MONDO:0018458.

Submissions (2):

Labcorp Genetics (formerly Invitae), Labcorp
Classification: Uncertain significance for Familial hypocalciuric hypercalcemia; Autosomal dominant hypocalcemia 1. Last evaluated: 2021-09-08. Review status: criteria provided, single submitter. Criteria: Invitae Variant Classification Sherloc (09022015). Collection method: clinical testing. Allele origin: germline.
Comment: ClinVar contains an entry for this variant (Variation ID: 453059). This variant has not been reported in the literature in individuals affected with CASR-related conditions. This variant is not present in population databases (ExAC no frequency). This sequence change replaces serine with proline at codon 597 of the CASR protein (p.Ser597Pro). The serine residue is highly conserved and there is a moderate physicochemical difference between serine and proline. Algorithms developed to predict the effect of missense changes on protein structure and function are either unavailable or do not agree on the potential impact of this missense change (SIFT: "Tolerated"; PolyPhen-2: "Possibly Damaging"; Align-GVGD: "Class C0"). In summary, the available evidence is currently insufficient to determine the role of this variant in disease. Therefore, it has been classified as a Variant of Uncertain Significance.

GeneDx
Classification: Uncertain significance. Last evaluated: 2017-10-23. Review status: criteria provided, single submitter. Criteria: GeneDx Variant Classification (06012015). Collection method: clinical testing. Allele origin: germline. Affected: yes.
Comment: The S597P variant has not been published as a pathogenic variant, nor has it been reported as a benign variant to our knowledge. The variant is not observed in large population cohorts (Lek et al., 2016). S597P is a non-conservative amino acid substitution, which is likely to impact secondary protein structure as these residues differ in polarity, charge, size and/or other properties. This substitution occurs at a position that is conserved in mammals. In silico analysis is inconsistent in its predictions as to whether or not the variant is damaging to the protein structure/function. In summary, based on the currently available information, it is unclear whether this variant is a pathogenic variant or a rare benign variant.

NM_000388.4(CASR):c.1789T>C (p.Ser597Pro)

Gene: CASR (calcium sensing receptor; plus strand). Cytogenetic location: 3q21.1.
Variant type: single nucleotide variant.
Coding change: c.1789T>C on transcript NM_000388.4 (MANE Select); coding-DNA position 1789, T replaced by C.
Protein change: p.Ser597Pro; replaces serine 597 with proline.
Molecular consequence: missense variant.
Genome position (GRCh38, 1-based): chr3:122,283,743, T>C. VCF-style: chr3-122283743-T-C. GRCh37 (hg19) VCF-style: chr3-122002590-T-C.
Other names: c.1819T>C, p.Ser607Pro (NM_001178065.2); short protein forms S597P, S607P.
Identifiers: ClinVar variation 453059 (VCV000453059.8), dbSNP rs1553768903, ClinGen allele CA354157352.